The following is an entry in ClinVar:

NM_032119.4(ADGRV1):c.9171del (p.Asn3059fs)

Gene: ADGRV1 (adhesion G protein-coupled receptor V1; plus strand). Cytogenetic location: 5q14.3.
Variant type: Deletion.
Coding change: c.9171del on transcript NM_032119.4 (MANE Select); coding-DNA position 9171, one base deleted (G; older notation c.9171delG).
Protein change: p.Asn3059fs; shifts the reading frame from asparagine 3059.
Molecular consequence: frameshift variant. On other transcripts: non-coding transcript variant (1).
Genome position (GRCh38, 1-based): chr5:90,712,415, G deleted; the last of 3 consecutive G bases (chr5:90,712,413-90,712,415); deleting any one gives the same sequence. VCF-style (leftmost placement, unchanged base first): chr5-90712412-AG-A. GRCh37 (hg19) VCF-style: chr5-90008229-AG-A.
Other names: short protein forms N3059fs.
Identifiers: ClinVar variation 1070965 (VCV001070965.7), dbSNP rs2149722771, ClinGen allele CA2499217994.

ClinVar aggregate classification (germline): Pathogenic (1 of 4 stars; one submission).

Submission:

Labcorp Genetics (formerly Invitae), Labcorp
Classification: Pathogenic. Last evaluated: 2020-07-03. Review status: criteria provided, single submitter. Criteria: Invitae Variant Classification Sherloc (09022015). Collection method: clinical testing. Allele origin: germline.
Comment: This sequence change creates a premature translational stop signal (p.Asn3059Ilefs*3) in the ADGRV1 gene. It is expected to result in an absent or disrupted protein product. This variant is not present in population databases (ExAC no frequency). This variant has not been reported in the literature in individuals with ADGRV1-related conditions. Loss-of-function variants in ADGRV1 are known to be pathogenic (PMID: 19357117, 22135276, 22147658). For these reasons, this variant has been classified as Pathogenic.

Literature cited by the submitters: PubMed 19357117; PubMed 22135276; PubMed 22147658.